The following is an entry in ClinVar:

NM_001447.3(FAT2):c.6080C>T (p.Ala2027Val)

Genes: FAT2 (FAT atypical cadherin 2; minus strand), SLC36A1 (solute carrier family 36 member 1; plus strand). Cytogenetic location: 5q33.1.
Variant type: single nucleotide variant.
Coding change: c.6080C>T on transcript NM_001447.3 (MANE Select); coding-DNA position 6080, C replaced by T.
Protein change: p.Ala2027Val; replaces alanine 2027 with valine.
Molecular consequence: missense variant.
Genome position (GRCh38, 1-based): chr5:151,545,047, G>A on the plus strand (C>T on the coding strand, the complement: FAT2 is on the minus strand). VCF-style: chr5-151545047-G-A. GRCh37 (hg19) VCF-style: chr5-150924608-G-A.
Other names: short protein forms A2027V.
Identifiers: ClinVar variation 2060032 (VCV002060032.4), dbSNP rs570840560, ClinGen allele CA3521177.

ClinVar aggregate classification (germline): Uncertain significance (1 of 4 stars; one submission).

Allele frequency attached by ClinVar (database versions not stated): gnomAD 0.00001; 1000 Genomes Project 0.00020; 1000 Genomes Project 30x 0.00031; TOPMed 0.00001; ExAC 0.00002.
gnomAD v4.1: 3 of 1,614,046 alleles (0.00019%); highest among the groups gnomAD compares: Admixed American, 0.0017%; no homozygotes.

Submission:

Labcorp Genetics (formerly Invitae), Labcorp
Classification: Uncertain significance. Last evaluated: 2023-08-24. Review status: criteria provided, single submitter. Criteria: Invitae Variant Classification Sherloc (09022015). Collection method: clinical testing. Allele origin: germline.
Comment: In summary, the available evidence is currently insufficient to determine the role of this variant in disease. Therefore, it has been classified as a Variant of Uncertain Significance. Algorithms developed to predict the effect of missense changes on protein structure and function output the following: SIFT: "Not Available"; PolyPhen-2: "Benign"; Align-GVGD: "Not Available". The valine amino acid residue is found in multiple mammalian species, which suggests that this missense change does not adversely affect protein function. ClinVar contains an entry for this variant (Variation ID: 2060032). This variant has not been reported in the literature in individuals affected with FAT2-related conditions. This variant is present in population databases (rs570840560, gnomAD 0.006%). This sequence change replaces alanine, which is neutral and non-polar, with valine, which is neutral and non-polar, at codon 2027 of the FAT2 protein (p.Ala2027Val).